The following is an entry in ClinVar:

NM_006767.4(LZTR1):c.593+230G>C

Gene: LZTR1 (leucine zipper like post translational regulator 1; plus strand). Cytogenetic location: 22q11.21.
Variant type: single nucleotide variant.
Coding change: c.593+230G>C on transcript NM_006767.4 (MANE Select); 230 bases into the intron after coding-DNA position 593, G replaced by C.
Molecular consequence: intron variant.
Genome position (GRCh38, 1-based): chr22:20,989,102, G>C. VCF-style: chr22-20989102-G-C. GRCh37 (hg19) VCF-style: chr22-21343391-G-C.
Identifiers: ClinVar variation 561583 (VCV000561583.1), dbSNP rs67648101, ClinGen allele CA14980433.

ClinVar aggregate classification (germline): Benign (1 of 4 stars; one submission).

Allele frequency attached by ClinVar (database versions not stated): TOPMed 0.14923; gnomAD 0.15459 and 0.15522; 1000 Genomes Project 0.17812; 1000 Genomes Project 30x 0.18145.
gnomAD v4.1: 23,516 of 152,224 alleles (15%); highest among the groups gnomAD compares: East Asian, 26%; 1,993 homozygotes.

Submission:

GeneDx
Classification: Benign. Last evaluated: 2018-06-18. Review status: criteria provided, single submitter. Criteria: GeneDx Variant Classification (06012015). Collection method: clinical testing. Allele origin: germline. Affected: yes.
Comment: This variant is considered likely benign or benign based on one or more of the following criteria: it is a conservative change, it occurs at a poorly conserved position in the protein, it is predicted to be benign by multiple in silico algorithms, and/or has population frequency not consistent with disease.